The following is an entry in ClinVar:

ClinVar aggregate classification (germline): Uncertain significance (1 of 4 stars; one submission).

Conditions:
Hereditary breast ovarian cancer syndrome. Also called: Hereditary breast and ovarian cancer syndrome (HBOC); Hereditary breast and ovarian cancer; BRCA1- and BRCA2-Associated Hereditary Breast and Ovarian Cancer; Hereditary breast and ovarian cancer syndrome; Hereditary breast and/or ovarian cancer syndrome; Breast and ovarian cancer. Identifiers: Orphanet 145, MedGen C0677776, MeSH D061325, MONDO:0003582. Disease mechanism: loss of function.

Submission:

Labcorp Genetics (formerly Invitae), Labcorp
Classification: Uncertain significance for Hereditary breast ovarian cancer syndrome. Last evaluated: 2024-03-28. Review status: criteria provided, single submitter. Criteria: Invitae Variant Classification Sherloc (09022015). Collection method: clinical testing. Allele origin: germline.
Comment: This sequence change falls in intron 21 of the BRCA1 gene. It does not directly change the encoded amino acid sequence of the BRCA1 protein. This variant is not present in population databases (gnomAD no frequency). This variant has not been reported in the literature in individuals affected with BRCA1-related conditions. Algorithms developed to predict the effect of sequence changes on RNA splicing suggest that this variant may disrupt the consensus splice site. In summary, the available evidence is currently insufficient to determine the role of this variant in disease. Therefore, it has been classified as a Variant of Uncertain Significance.

NM_007294.4(BRCA1):c.5407-17C>A

Gene: BRCA1 (BRCA1 DNA repair associated; minus strand). Cytogenetic location: 17q21.31.
Variant type: single nucleotide variant.
Coding change: c.5407-17C>A on transcript NM_007294.4 (MANE Select); 17 bases into the intron before coding-DNA position 5407, C replaced by A.
Molecular consequence: intron variant.
Genome position (GRCh38, 1-based): chr17:43,047,720, G>T on the plus strand (C>A on the coding strand, the complement: BRCA1 is on the minus strand). VCF-style: chr17-43047720-G-T. GRCh37 (hg19) VCF-style: chr17-41199737-G-T.
Other names: c.1831-17C>A (NM_001408503.1, NM_001408502.1, NM_001408504.1); c.5189-17C>A (NM_001407943.1, NM_001407944.1, NM_001407945.1); c.5263-17C>A (NM_001407748.1, NM_001407734.1, NM_001407752.1 and 18 more transcripts); c.1834-17C>A (NM_001408500.1, NM_001408497.1, NM_001408498.1 and 3 more transcripts); c.5266-17C>A (NM_001407730.1, NM_001407692.1, NM_001407728.1 and 12 more transcripts); c.5143-17C>A (NM_001407921.1, NM_001407922.1, NM_001407925.1 and 4 more transcripts); c.1954-17C>A (NM_001408466.1, NM_001408458.1, NM_001408461.1 and 7 more transcripts); c.1957-17C>A (NM_001408452.1, NM_001408457.1, NM_001408453.1 and 3 more transcripts); and 83 more.
Identifiers: ClinVar variation 3647980 (VCV003647980.2).
Genomic context (GRCh38, chr17:43,047,720, plus strand): 5'-TCTGTCCAGGCATCTGGCTGCACAACCACAATTGGGTGGACACCCTGGATCCCCAGGAAG[G>T]AAAGAGCATTCAAAGTGTCAAAGTAGGACTACTGGAACTGTCACTTCATCATTTTTTTTG-3'